The following is an entry in ClinVar:

NM_001378964.1(CDON):c.23_25dup (p.Leu8_Cys9insLeu)

Gene: CDON (cell adhesion associated, oncogene regulated; minus strand). Cytogenetic location: 11q24.2.
Variant type: Duplication.
Coding change: c.23_25dup on transcript NM_001378964.1 (MANE Select); coding-DNA positions 23 to 25, 3 bases duplicated (TAT; older notation c.23_25dupTAT).
Protein change: p.Leu8_Cys9insLeu.
Molecular consequence: inframe insertion. On other transcripts: inframe indel (2).
Genome position (GRCh38, 1-based): chr11:126,023,452-126,023,454, ATA duplicated on the plus strand (TAT on the coding strand, the reverse complement: CDON is on the minus strand); duplicating any 3 consecutive bases within chr11:126,023,452-126,023,455 gives the same sequence; the c. name uses the placement nearest the transcript's 3' end. VCF-style (leftmost placement, unchanged base first): chr11-126023451-C-CATA. GRCh37 (hg19) VCF-style: chr11-125893346-C-CATA.
Other names: c.22_24dup, p.Leu8_Cys9insLeu (NM_001243597.3, NM_016952.6).
Identifiers: ClinVar variation 1473549 (VCV001473549.6), dbSNP rs2134707762, ClinGen allele CA2573147046.

ClinVar aggregate classification (germline): Uncertain significance (1 of 4 stars; one submission).

Conditions:
Holoprosencephaly 11 (HPE11). Identifiers: Orphanet 2162, MedGen C3280215, MONDO:0013642, OMIM 614226.

Submission:

Labcorp Genetics (formerly Invitae), Labcorp
Classification: Uncertain significance for Holoprosencephaly 11. Last evaluated: 2023-10-13. Review status: criteria provided, single submitter. Criteria: Invitae Variant Classification Sherloc (09022015). Collection method: clinical testing. Allele origin: germline.
Comment: This variant, c.23_25dup, results in the insertion of 1 amino acid(s) of the CDON protein (p.Leu8dup), but otherwise preserves the integrity of the reading frame. This variant is not present in population databases (gnomAD no frequency). This variant has not been reported in the literature in individuals affected with CDON-related conditions. ClinVar contains an entry for this variant (Variation ID: 1473549). Experimental studies and prediction algorithms are not available or were not evaluated, and the functional significance of this variant is currently unknown. In summary, the available evidence is currently insufficient to determine the role of this variant in disease. Therefore, it has been classified as a Variant of Uncertain Significance.